The following is an entry in ClinVar:

NM_007294.4(BRCA1):c.927del (p.Lys309fs)

Gene: BRCA1 (BRCA1 DNA repair associated; minus strand). Cytogenetic location: 17q21.31.
Variant type: Deletion.
Coding change: c.927del on transcript NM_007294.4 (MANE Select); coding-DNA position 927, one base deleted (A; older notation c.927delA).
Protein change: p.Lys309fs; shifts the reading frame from lysine 309.
Molecular consequence: frameshift variant. On other transcripts: intron variant (137).
Genome position (GRCh38, 1-based): chr17:43,094,604, T deleted on the plus strand (A on the coding strand, the reverse complement: BRCA1 is on the minus strand); the first of 3 consecutive T bases (chr17:43,094,604-43,094,606); deleting any one gives the same sequence. VCF-style (leftmost placement, unchanged base first): chr17-43094603-GT-G. GRCh37 (hg19) VCF-style: chr17-41246620-GT-G.
Other names: 1046delA; c.801del, p.Lys267fs (NM_001407686.1, NM_001407687.1, NM_001407688.1 and 11 more transcripts); c.786del, p.Lys262fs (NM_001407692.1, NM_001407694.1, NM_001407695.1 and 29 more transcripts); c.783del, p.Lys261fs (NM_001407740.1, NM_001407741.1, NM_001407742.1 and 20 more transcripts); c.714del, p.Lys238fs (NM_001407853.1, NM_001407894.1, NM_001407895.1 and 9 more transcripts); c.927del, p.Lys309fs (NM_001407854.1, NM_001407858.1, NM_001407859.1 and 30 more transcripts); c.924del, p.Lys308fs (NM_001407860.1, NM_001407861.1, NM_001407587.1 and 22 more transcripts); c.726del, p.Lys242fs (NM_001407862.1); and 42 more; short protein forms K262fs, K309fs, K13fs, K197fs, K239fs, K267fs, K268fs, K220fs.
Identifiers: ClinVar variation 55757 (VCV000055757.7), dbSNP rs397509337, ClinGen allele CA003971.

ClinVar aggregate classification (germline): Pathogenic. Review status: reviewed by expert panel (3 of 4 stars). 2 submissions from 2 submitters: Pathogenic (1). 1 of the submissions does not count toward it. Last evaluated 2016-10-18.

Conditions:
Breast-ovarian cancer, familial, susceptibility to, 1 (BROVCA1). Also called: BRCA1 Hereditary Breast and Ovarian Cancer; OVARIAN CANCER, SUSCEPTIBILITY TO. Identifiers: Orphanet 145, MedGen C2676676, MONDO:0011450, OMIM 604370. Disease mechanism: loss of function.

Submissions (2):

Evidence-based Network for the Interpretation of Germline Mutant Alleles (ENIGMA)
Classification: Pathogenic for Breast-ovarian cancer, familial, susceptibility to, 1. Last evaluated: 2016-10-18. Review status: reviewed by expert panel. Criteria: ENIGMA BRCA1/2 Classification Criteria (2015). Collection method: curation. Allele origin: germline.
Comment: Variant allele predicted to encode a truncated non-functional protein.

Consortium of Investigators of Modifiers of BRCA1/2 (CIMBA), c/o University of Cambridge
Classification: Pathogenic for Breast-ovarian cancer, familial, susceptibility to, 1. Last evaluated: 2015-10-02. Review status: criteria provided, single submitter. Criteria: CIMBA Mutation Classification guidelines May 2016. Collection method: clinical testing. Allele origin: germline. Not counted in ClinVar's aggregate classification.